The following is an entry in ClinVar:

NM_005585.5(SMAD6):c.1346C>T (p.Ala449Val)

Gene: SMAD6 (SMAD family member 6; plus strand). Cytogenetic location: 15q22.31.
Variant type: single nucleotide variant.
Coding change: c.1346C>T on transcript NM_005585.5 (MANE Select); coding-DNA position 1346, C replaced by T.
Protein change: p.Ala449Val; replaces alanine 449 with valine.
Molecular consequence: missense variant. On other transcripts: non-coding transcript variant (1).
Genome position (GRCh38, 1-based): chr15:66,781,390, C>T. VCF-style: chr15-66781390-C-T. GRCh37 (hg19) VCF-style: chr15-67073728-C-T.
Other names: c.1346C>T (NM_005585.4); short protein forms A449V.
Identifiers: ClinVar variation 1489631 (VCV001489631.9), dbSNP rs1186486223, ClinGen allele CA393202352.

ClinVar aggregate classification (germline): Uncertain significance. Review status: criteria provided, multiple submitters, no conflicts (2 of 4 stars). 2 submissions from 2 submitters: Uncertain significance (2). Last evaluated 2025-09-17.

Conditions:
Inborn genetic diseases. Identifiers: MedGen C0950123, MeSH D030342.
Aortic valve disease 2 (AOVD2). Identifiers: MedGen C3542024, MONDO:0013902, OMIM 614823.

Allele frequency attached by ClinVar (database versions not stated): gnomAD exomes below 0.00001; gnomAD 0.00001; TOPMed 0.00001.
gnomAD v4.1: 4 of 1,601,804 alleles (0.00025%); highest among the groups gnomAD compares: African/African-American, 0.0027%; no homozygotes.

Submissions (2):

Ambry Genetics
Classification: Uncertain significance for Inborn genetic diseases. Last evaluated: 2025-09-17. Review status: criteria provided, single submitter. Criteria: Ambry Variant Classification Scheme 2023. Collection method: clinical testing. Allele origin: germline.
Comment: The p.A449V variant (also known as c.1346C>T), located in coding exon 4 of the SMAD6 gene, results from a C to T substitution at nucleotide position 1346. The alanine at codon 449 is replaced by valine, an amino acid with similar properties. This amino acid position is conserved. In addition, this alteration is predicted to be tolerated by in silico analysis. Since supporting evidence is limited at this time, the clinical significance of this alteration remains unclear.

Labcorp Genetics (formerly Invitae), Labcorp
Classification: Uncertain significance for Aortic valve disease 2. Last evaluated: 2021-08-19. Review status: criteria provided, single submitter. Criteria: Invitae Variant Classification Sherloc (09022015). Collection method: clinical testing. Allele origin: germline.
Comment: In summary, the available evidence is currently insufficient to determine the role of this variant in disease. Therefore, it has been classified as a Variant of Uncertain Significance. Algorithms developed to predict the effect of missense changes on protein structure and function (SIFT, PolyPhen-2, Align-GVGD) all suggest that this variant is likely to be tolerated. This variant has not been reported in the literature in individuals affected with SMAD6-related conditions. This variant is not present in population databases (ExAC no frequency). This sequence change replaces alanine with valine at codon 449 of the SMAD6 protein (p.Ala449Val). The alanine residue is moderately conserved and there is a small physicochemical difference between alanine and valine.